The following is an entry in ClinVar:

ClinVar aggregate classification (germline): Uncertain significance (1 of 4 stars; one submission).

Submission:

Labcorp Genetics (formerly Invitae), Labcorp
Classification: Uncertain significance. Last evaluated: 2025-11-17. Review status: criteria provided, single submitter. Criteria: Invitae Variant Classification Sherloc (09022015). Collection method: clinical testing. Allele origin: germline.
Comment: This sequence change replaces alanine, which is neutral and non-polar, with valine, which is neutral and non-polar, at codon 33 of the DNAH9 protein (p.Ala33Val). This variant is not present in population databases (gnomAD no frequency). This variant has not been reported in the literature in individuals affected with DNAH9-related conditions. An algorithm developed to predict the effect of missense changes on protein structure and function outputs the following: PolyPhen-2: "Benign". The valine amino acid residue is found in multiple mammalian species, which suggests that this missense change does not adversely affect protein function. In summary, the available evidence is currently insufficient to determine the role of this variant in disease. Therefore, it has been classified as a Variant of Uncertain Significance.

NM_001372.4(DNAH9):c.98C>T (p.Ala33Val)

Gene: DNAH9 (dynein axonemal heavy chain 9; plus strand). Cytogenetic location: 17p12.
Variant type: single nucleotide variant.
Coding change: c.98C>T on transcript NM_001372.4 (MANE Select); coding-DNA position 98, C replaced by T.
Protein change: p.Ala33Val; replaces alanine 33 with valine.
Molecular consequence: missense variant.
Genome position (GRCh38, 1-based): chr17:11,598,596, C>T. VCF-style: chr17-11598596-C-T. GRCh37 (hg19) VCF-style: chr17-11501913-C-T.
Other names: short protein forms A33V.
Identifiers: ClinVar variation 4765866 (VCV004765866.1).